The following is an entry in ClinVar:

ClinVar aggregate classification (germline): Uncertain significance (1 of 4 stars; one submission).

Submission:

Clinical Genomics Laboratory, Laboratory for Precision Diagnostics, University of Washington
Classification: Uncertain significance. Last evaluated: 2017-12-08. Review status: criteria provided, single submitter. Criteria: Clinical Cytogenomics Laboratory Policy on CNV Interpretation. Collection method: clinical testing. Allele origin: unknown. Affected: yes. Observed: 1 variant allele.

GRCh37/hg19 Xp22.33(chrX:1747811-2687572)x3

Gene: XG (Xg glycoprotein (Xg blood group); plus strand). Cytogenetic location: Xp22.33.
Variant type: copy number gain.
Change: copy number 3 of chrX:1,747,811-2,687,572 (939.8 kb, GRCh37 coordinates, 1-based), cytogenetic band Xp22.33.
Identifiers: ClinVar variation 548977 (VCV000548977.3).